The following is an entry in ClinVar:

NM_001903.5(CTNNA1):c.1763C>T (p.Thr588Ile)

Gene: CTNNA1 (catenin alpha 1; plus strand). Cytogenetic location: 5q31.2.
Variant type: single nucleotide variant.
Coding change: c.1763C>T on transcript NM_001903.5 (MANE Select); coding-DNA position 1763, C replaced by T.
Protein change: p.Thr588Ile; replaces threonine 588 with isoleucine.
Molecular consequence: missense variant.
Genome position (GRCh38, 1-based): chr5:138,925,271, C>T. VCF-style: chr5-138925271-C-T. GRCh37 (hg19) VCF-style: chr5-138260960-C-T.
Other names: c.1763C>T, p.Thr588Ile (NM_001290307.3, NM_001323982.2, NM_001323983.1 and 2 more transcripts); c.653C>T, p.Thr218Ile (NM_001323988.1, NM_001323989.1, NM_001323990.1 and 17 more transcripts); c.1670C>T, p.Thr557Ile (NM_001323986.2); c.1454C>T, p.Thr485Ile (NM_001290309.3); c.1394C>T, p.Thr465Ile (NM_001290310.3); c.314C>T, p.Thr105Ile (NM_001324006.1, NM_001324007.1, NM_001324008.1 and 2 more transcripts); c.560C>T, p.Thr187Ile (NM_001324011.1); c.410C>T, p.Thr137Ile (NM_001324012.1, NM_001324013.1); short protein forms T105I, T187I, T588I, T137I, T218I, T465I, T485I, T557I.
Identifiers: ClinVar variation 949274 (VCV000949274.13), dbSNP rs1763769197, ClinGen allele CA361132154.

ClinVar aggregate classification (germline): Uncertain significance. Review status: criteria provided, multiple submitters, no conflicts (2 of 4 stars). 2 submissions from 2 submitters: Uncertain significance (2). Last evaluated 2025-10-06.

Conditions:
Hereditary cancer-predisposing syndrome. Also called: Hereditary neoplastic syndrome; Neoplastic Syndromes, Hereditary; Tumor predisposition; Hereditary Cancer Syndrome. Identifiers: Orphanet 140162, MedGen C0027672, MeSH D009386, MONDO:0015356.

Allele frequency attached by ClinVar (database versions not stated): gnomAD exomes below 0.00001.
gnomAD v4.1: 1 of 1,613,988 alleles (0.000062%); highest among the groups gnomAD compares: Admixed American, 0.0017%; no homozygotes.

Submissions (2):

Ambry Genetics
Classification: Uncertain significance for Hereditary cancer-predisposing syndrome. Last evaluated: 2025-10-06. Review status: criteria provided, single submitter. Criteria: Ambry Variant Classification Scheme 2023. Collection method: clinical testing. Allele origin: germline.
Comment: The p.T588I variant (also known as c.1763C>T), located in coding exon 12 of the CTNNA1 gene, results from a C to T substitution at nucleotide position 1763. The threonine at codon 588 is replaced by isoleucine, an amino acid with similar properties. This amino acid position is well conserved in available vertebrate species. In addition, this alteration is predicted to be tolerated by in silico analysis. Based on the available evidence, the clinical significance of this variant remains unclear.

Labcorp Genetics (formerly Invitae), Labcorp
Classification: Uncertain significance. Last evaluated: 2024-05-14. Review status: criteria provided, single submitter. Criteria: Invitae Variant Classification Sherloc (09022015). Collection method: clinical testing. Allele origin: germline.
Comment: This sequence change replaces threonine, which is neutral and polar, with isoleucine, which is neutral and non-polar, at codon 588 of the CTNNA1 protein (p.Thr588Ile). This variant is not present in population databases (gnomAD no frequency). This variant has not been reported in the literature in individuals affected with CTNNA1-related conditions. ClinVar contains an entry for this variant (Variation ID: 949274). Advanced modeling of protein sequence and biophysical properties (such as structural, functional, and spatial information, amino acid conservation, physicochemical variation, residue mobility, and thermodynamic stability) performed at Invitae indicates that this missense variant is not expected to disrupt CTNNA1 protein function with a negative predictive value of 80%. In summary, the available evidence is currently insufficient to determine the role of this variant in disease. Therefore, it has been classified as a Variant of Uncertain Significance.